The following is an entry in ClinVar:

ClinVar aggregate classification (germline): Uncertain significance (1 of 4 stars; one submission).

Conditions:
Inborn genetic diseases. Identifiers: MedGen C0950123, MeSH D030342.

Submission:

Ambry Genetics
Classification: Uncertain significance for Inborn genetic diseases. Last evaluated: 2024-12-07. Review status: criteria provided, single submitter. Criteria: Ambry Variant Classification Scheme 2023. Collection method: clinical testing. Allele origin: germline.
Comment: The p.P47L variant (also known as c.140C>T), located in coding exon 1 of the KDM1A gene, results from a C to T substitution at nucleotide position 140. The proline at codon 47 is replaced by leucine, an amino acid with similar properties. This amino acid position is conserved. In addition, this alteration is predicted to be tolerated by in silico analysis. Based on the available evidence, the clinical significance of this variant remains unclear.

NM_001009999.3(KDM1A):c.140C>T (p.Pro47Leu)

Gene: KDM1A (lysine demethylase 1A; plus strand). Cytogenetic location: 1p36.12.
Variant type: single nucleotide variant.
Coding change: c.140C>T on transcript NM_001009999.3 (MANE Select); coding-DNA position 140, C replaced by T.
Protein change: p.Pro47Leu; replaces proline 47 with leucine.
Molecular consequence: missense variant.
Genome position (GRCh38, 1-based): chr1:23,019,736, C>T. VCF-style: chr1-23019736-C-T. GRCh37 (hg19) VCF-style: chr1-23346229-C-T.
Other names: c.140C>T, p.Pro47Leu (NM_001363654.2, NM_001410762.1, NM_001410763.1 and 1 more transcripts); short protein forms P47L.
Identifiers: ClinVar variation 3532978 (VCV003532978.1).
Genomic context (GRCh38, chr1:23,019,736, plus strand): 5'-CAGCAGGCGGCTCCGAGAACGGGTCTGAGGTGGCCGCGCAGCCCGCGGGCCTGTCGGGCC[C>T]AGCCGAGGTCGGGCCGGGGGCGGTGGGGGAGCGCACACCCCGCAAGAAAGAGCCTCCGCG-3'
Protein context (NP_001009999.1, residues 37-57): VAAQPAGLSG[Pro47Leu]AEVGPGAVGE